The following is an entry in ClinVar:

ClinVar aggregate classification (germline): Uncertain significance (1 of 4 stars; one submission).

Conditions:
Hereditary cancer-predisposing syndrome. Also called: Neoplastic Syndromes, Hereditary; Tumor predisposition; Hereditary neoplastic syndrome; Hereditary Cancer Syndrome. Identifiers: Orphanet 140162, MedGen C0027672, MeSH D009386, MONDO:0015356.
Cardiovascular phenotype. Identifiers: MedGen CN230736.

Allele frequency attached by ClinVar (database versions not stated): gnomAD exomes below 0.00001.
gnomAD v4.1: 1 of 1,613,890 alleles (0.000062%); highest among the groups gnomAD compares: Non-Finnish European, 0.000085%; no homozygotes.

Submission:

Ambry Genetics
Classification: Uncertain significance for Cardiovascular phenotype; Hereditary cancer-predisposing syndrome. Last evaluated: 2023-04-23. Review status: criteria provided, single submitter. Criteria: Ambry Variant Classification Scheme 2023. Collection method: clinical testing. Allele origin: germline.
Comment: The p.V2627I variant (also known as c.7879G>A), located in coding exon 53 of the NF1 gene, results from a G to A substitution at nucleotide position 7879. The valine at codon 2627 is replaced by isoleucine, an amino acid with highly similar properties. This amino acid position is conserved. In addition, this alteration is predicted to be tolerated by in silico analysis. Since supporting evidence is limited at this time, the clinical significance of this alteration remains unclear.

NM_001042492.3(NF1):c.7942G>A (p.Val2648Ile)

Gene: NF1 (neurofibromin 1; plus strand). Cytogenetic location: 17q11.2.
Variant type: single nucleotide variant.
Coding change: c.7942G>A on transcript NM_001042492.3 (MANE Select); coding-DNA position 7942, G replaced by A.
Protein change: p.Val2648Ile; replaces valine 2648 with isoleucine.
Molecular consequence: missense variant.
Genome position (GRCh38, 1-based): chr17:31,357,341, G>A. VCF-style: chr17-31357341-G-A. GRCh37 (hg19) VCF-style: chr17-29684359-G-A.
Other names: c.7879G>A, p.Val2627Ile (NM_000267.4); short protein forms V2627I, V2648I.
Identifiers: ClinVar variation 3237960 (VCV003237960.1), dbSNP rs2151583387.